The following is an entry in ClinVar:

NM_004560.4(ROR2):c.1317G>A (p.Pro439=)

Gene: ROR2 (receptor tyrosine kinase like orphan receptor 2; minus strand). Cytogenetic location: 9q22.31.
Variant type: single nucleotide variant.
Coding change: c.1317G>A on transcript NM_004560.4 (MANE Select); coding-DNA position 1317, G replaced by A.
Protein change: p.Pro439=; no amino-acid change (proline 439 retained).
Molecular consequence: synonymous variant. On other transcripts: missense variant (1).
Genome position (GRCh38, 1-based): chr9:91,726,610, C>T on the plus strand (G>A on the coding strand, the complement: ROR2 is on the minus strand). VCF-style: chr9-91726610-C-T. GRCh37 (hg19) VCF-style: chr9-94488892-C-T.
Other names: c.1283G>A, p.Arg428His (NM_001318204.2); short protein forms R428H.
Identifiers: ClinVar variation 914867 (VCV000914867.11), dbSNP rs150661792, ClinGen allele CA5120728.

ClinVar aggregate classification (germline): Conflicting classifications of pathogenicity. Review status: criteria provided, conflicting classifications (1 of 4 stars). 3 submissions from 2 submitters: Uncertain significance (1); Benign (2). Last evaluated 2025-10-16.

Conditions:
Brachydactyly type B1 (BDB1). Identifiers: Orphanet 572385, Orphanet 93383, MedGen C1862112, MONDO:0007220, OMIM 113000.
Autosomal recessive Robinow syndrome (RRS1). Also called: COSTOVERTEBRAL SEGMENTATION DEFECT WITH MESOMELIA; COVESDEM SYNDROME; ROR2-Related Robinow Syndrome; ROBINOW SYNDROME, AUTOSOMAL RECESSIVE 1. Identifiers: Orphanet 1507, Orphanet 97360, MedGen C5399974, MONDO:0009999, OMIM 268310.

Allele frequency attached by ClinVar (database versions not stated): gnomAD exomes 0.00010 and 0.00023; gnomAD 0.00013 and 0.00014; TOPMed 0.00014; ExAC 0.00019; ESP Exome Variant Server 0.00038.
gnomAD v4.1: 182 of 1,613,712 alleles (0.011%); highest among the groups gnomAD compares: East Asian, 0.02%; no homozygotes.

Submissions (3):

Labcorp Genetics (formerly Invitae), Labcorp
Classification: Benign. Last evaluated: 2025-10-16. Review status: criteria provided, single submitter. Criteria: Invitae Variant Classification Sherloc (09022015). Collection method: clinical testing. Allele origin: germline.

Illumina Laboratory Services, Illumina
Classification: Uncertain significance for Autosomal recessive Robinow syndrome. Last evaluated: 2018-01-12. Review status: criteria provided, single submitter. Criteria: ICSL Variant Classification Criteria 13 December 2019. Collection method: clinical testing. Allele origin: germline.

Illumina Laboratory Services, Illumina
Classification: Benign for Brachydactyly type B1. Last evaluated: 2018-01-12. Review status: criteria provided, single submitter. Criteria: ICSL Variant Classification Criteria 13 December 2019. Collection method: clinical testing. Allele origin: germline.
Comment: This variant was observed in the ICSL laboratory as part of a predisposition screen in an ostensibly healthy population. It had not been previously curated by ICSL or reported in the Human Gene Mutation Database (HGMD: prior to June 1st, 2018), and was therefore a candidate for classification through an automated scoring system. Utilizing variant allele frequency, disease prevalence and penetrance estimates, and inheritance mode, an automated score was calculated to assess if this variant is too frequent to cause the disease. Based on the score and internal cut-off values, a variant classified as benign is not then subjected to further curation. The score for this variant resulted in a classification of benign for this disease.